The following is an entry in ClinVar:

NM_213599.3(ANO5):c.87+5G>T

Gene: ANO5 (anoctamin 5; plus strand). Cytogenetic location: 11p14.3.
Variant type: single nucleotide variant.
Coding change: c.87+5G>T on transcript NM_213599.3 (MANE Select); 5 bases into the intron after coding-DNA position 87, G replaced by T.
Molecular consequence: intron variant.
Genome position (GRCh38, 1-based): chr11:22,203,855, G>T. VCF-style: chr11-22203855-G-T. GRCh37 (hg19) VCF-style: chr11-22225401-G-T.
Other names: c.87+5G>T (NM_001410964.1, NM_001441301.1, NM_001441299.1 and 6 more transcripts); c.9+5G>T (NM_001441294.1, NM_001441297.1, NM_001441295.1).
Identifiers: ClinVar variation 4791305 (VCV004791305.1).
Genomic context (GRCh38, chr11:22,203,855, plus strand): 5'-TTAATTTAGGGGAAAAAGTCAATAAGCATATAGACTACTCTTTCCAAATGAGTGAGGTAA[G>T]TTAAATATATATGCATTAACTTCCTTATAAGTCAGAATAAAAAATCAAGATAAGGTTAAC-3'

ClinVar aggregate classification (germline): Uncertain significance (1 of 4 stars; one submission).

Conditions:
Gnathodiaphyseal dysplasia (GDD). Also called: GNATHODIAPHYSEAL SCLEROSIS; OSTEOGENESIS IMPERFECTA WITH UNUSUAL SKELETAL LESIONS. Identifiers: Orphanet 53697, MedGen C1833736, MONDO:0008151, OMIM 166260.
Autosomal recessive limb-girdle muscular dystrophy type 2L (LGMDR12). Also called: Limb-girdle muscular dystrophy, type 2L; MUSCULAR DYSTROPHY, LIMB-GIRDLE, AUTOSOMAL RECESSIVE 12; Limb-Girdle Muscular Dystrophy R12 Anoctamin-5-Related (LGMD-R12). Identifiers: Orphanet 206549, MedGen C1969785, MONDO:0012652, OMIM 611307.

Submission:

Labcorp Genetics (formerly Invitae), Labcorp
Classification: Uncertain significance for Autosomal recessive limb-girdle muscular dystrophy type 2L; Gnathodiaphyseal dysplasia. Last evaluated: 2025-07-29. Review status: criteria provided, single submitter. Criteria: Invitae Variant Classification Sherloc (09022015). Collection method: clinical testing. Allele origin: germline.
Comment: This sequence change falls in intron 2 of the ANO5 gene. It does not directly change the encoded amino acid sequence of the ANO5 protein. It affects a nucleotide within the consensus splice site. This variant is not present in population databases (gnomAD no frequency). This variant has not been reported in the literature in individuals affected with ANO5-related conditions. Variants that disrupt the consensus splice site are a relatively common cause of aberrant splicing (PMID: 17576681, 9536098). Algorithms developed to predict the effect of sequence changes on RNA splicing suggest that this variant may disrupt the consensus splice site. In summary, the available evidence is currently insufficient to determine the role of this variant in disease. Therefore, it has been classified as a Variant of Uncertain Significance.

Literature cited by the submitters: PubMed 17576681; PubMed 9536098.